The following is an entry in ClinVar:

NM_004385.5(VCAN):c.5808_5809delinsCC (p.Asp1937His)

Genes: VCAN (versican; plus strand), VCAN-AS1 (VCAN antisense RNA 1; minus strand). Cytogenetic location: 5q14.3.
Variant type: Indel.
Coding change: c.5808_5809delinsCC on transcript NM_004385.5 (MANE Select); coding-DNA positions 5808 to 5809, TG replaced by CC.
Protein change: p.Asp1937His; replaces aspartic acid 1937 with histidine.
Molecular consequence: missense variant. On other transcripts: intron variant (2).
Genome position (GRCh38, 1-based): chr5:83,538,811-83,538,812, TG replaced by CC. VCF-style: chr5-83538811-TG-CC. GRCh37 (hg19) VCF-style: chr5-82834630-TG-CC.
Other names: c.2847_2848delinsCC, p.Asp950His (NM_001164097.2); c.4004-6726_4004-6725delinsCC (NM_001164098.2); c.1043-6726_1043-6725delinsCC (NM_001126336.3); short protein forms D1937H, D950H.
Identifiers: ClinVar variation 1465338 (VCV001465338.6), dbSNP rs2112443287, ClinGen allele CA2573140066.

ClinVar aggregate classification (germline): Uncertain significance (1 of 4 stars; one submission).

Submission:

Labcorp Genetics (formerly Invitae), Labcorp
Classification: Uncertain significance. Last evaluated: 2025-06-26. Review status: criteria provided, single submitter. Criteria: Invitae Variant Classification Sherloc (09022015). Collection method: clinical testing. Allele origin: germline.
Comment: This sequence change replaces aspartic acid, which is acidic and polar, with histidine, which is basic and polar, at codon 1937 of the VCAN protein (p.Asp1937His). Information on the frequency of this variant in the gnomAD database is not available, as this variant may be reported differently in the database. This variant has not been reported in the literature in individuals affected with VCAN-related conditions. ClinVar contains an entry for this variant (Variation ID: 1465338). Experimental studies and prediction algorithms are not available or were not evaluated, and the functional significance of this variant is currently unknown. In summary, the available evidence is currently insufficient to determine the role of this variant in disease. Therefore, it has been classified as a Variant of Uncertain Significance.